The following is an entry in ClinVar:

NM_001723.7(DST):c.4072A>C (p.Lys1358Gln)

Gene: DST (dystonin; minus strand). Cytogenetic location: 6p12.1.
Variant type: single nucleotide variant.
Coding change: c.4072A>C on transcript NM_001723.7 (MANE Plus Clinical); coding-DNA position 4072, A replaced by C.
Protein change: p.Lys1358Gln; replaces lysine 1358 with glutamine.
Molecular consequence: missense variant. On other transcripts: intron variant (10).
Genome position (GRCh38, 1-based): chr6:56,619,962, T>G on the plus strand (A>C on the coding strand, the complement: DST is on the minus strand). VCF-style: chr6-56619962-T-G. GRCh37 (hg19) VCF-style: chr6-56484760-T-G.
Other names: c.4830+4568A>C (NM_001144769.5); c.4929+4568A>C (NM_001374722.1, NM_001374736.1); c.4956+4568A>C (NM_001374734.1); c.4416+4568A>C (NM_001144770.2); c.4296+4568A>C (NM_001374730.1, NM_001386100.1, NM_183380.4 and 1 more transcripts); c.3318+4568A>C (NM_015548.5); short protein forms K1358Q.
Identifiers: ClinVar variation 2178896 (VCV002178896.4), dbSNP rs2536728536, ClinGen allele CA364570488.

ClinVar aggregate classification (germline): Uncertain significance (1 of 4 stars; one submission).

Conditions:
Epidermolysis bullosa simplex 3, localized or generalized intermediate, with BP230 deficiency (EBS3). Also called: Epidermolysis bullosa simplex due to BP230 deficiency; Epidermolysis bullosa simplex, autosomal recessive 2. Identifiers: Orphanet 412181, MedGen C3809470, MONDO:0014180, OMIM 615425.
Hereditary sensory and autonomic neuropathy type 6. Also called: Neuropathy, hereditary sensory and autonomic, type VI; HSAN VI. Identifiers: Orphanet 314381, MedGen C3539003, MONDO:0013839, OMIM 614653.

Allele frequency attached by ClinVar (database versions not stated): gnomAD exomes below 0.00001.
gnomAD v4.1: 2 of 1,614,146 alleles (0.00012%); highest among the groups gnomAD compares: Non-Finnish European, 0.00017%; no homozygotes.

Submission:

Labcorp Genetics (formerly Invitae), Labcorp
Classification: Uncertain significance for Epidermolysis bullosa simplex 3, localized or generalized intermediate, with BP230 deficiency; Hereditary sensory and autonomic neuropathy type 6. Last evaluated: 2022-06-04. Review status: criteria provided, single submitter. Criteria: Invitae Variant Classification Sherloc (09022015). Collection method: clinical testing. Allele origin: germline.
Comment: In summary, the available evidence is currently insufficient to determine the role of this variant in disease. Therefore, it has been classified as a Variant of Uncertain Significance. Algorithms developed to predict the effect of missense changes on protein structure and function are either unavailable or do not agree on the potential impact of this missense change (SIFT: "Deleterious"; PolyPhen-2: "Benign"; Align-GVGD: "Class C45"). This variant has not been reported in the literature in individuals affected with DST-related conditions. This variant is not present in population databases (gnomAD no frequency). This sequence change replaces lysine, which is basic and polar, with glutamine, which is neutral and polar, at codon 1358 of the DST protein (p.Lys1358Gln).